The following is an entry in ClinVar:

NM_001375567.1(FOCAD):c.4417T>C (p.Trp1473Arg)

Gene: FOCAD (focadhesin; plus strand). Cytogenetic location: 9p21.3.
Variant type: single nucleotide variant.
Coding change: c.4417T>C on transcript NM_001375567.1 (MANE Select); coding-DNA position 4417, T replaced by C.
Protein change: p.Trp1473Arg; replaces tryptophan 1473 with arginine.
Molecular consequence: missense variant.
Genome position (GRCh38, 1-based): chr9:20,981,465, T>C. VCF-style: chr9-20981465-T-C. GRCh37 (hg19) VCF-style: chr9-20981464-T-C.
Other names: c.4312T>C, p.Trp1438Arg (NM_001375568.1, NM_001375570.1); c.4417T>C, p.Trp1473Arg (NM_017794.5); short protein forms W1438R, W1473R.
Identifiers: ClinVar variation 4798423 (VCV004798423.1).

ClinVar aggregate classification (germline): Uncertain significance (1 of 4 stars; one submission).

gnomAD v4.1: 2 of 1,614,042 alleles (0.00012%); highest among the groups gnomAD compares: Non-Finnish European, 0.00017%; no homozygotes.

Submission:

Labcorp Genetics (formerly Invitae), Labcorp
Classification: Uncertain significance. Last evaluated: 2026-01-05. Review status: criteria provided, single submitter. Criteria: Invitae Variant Classification Sherloc (09022015). Collection method: clinical testing. Allele origin: germline.
Comment: This sequence change replaces tryptophan, which is neutral and slightly polar, with arginine, which is basic and polar, at codon 1473 of the FOCAD protein (p.Trp1473Arg). This variant is not present in population databases (gnomAD no frequency). This variant has not been reported in the literature in individuals affected with FOCAD-related conditions. Experimental studies and prediction algorithms are not available or were not evaluated, and the functional significance of this variant is currently unknown. In summary, the available evidence is currently insufficient to determine the role of this variant in disease. Therefore, it has been classified as a Variant of Uncertain Significance.